The following is an entry in ClinVar:

ClinVar aggregate classification (germline): Uncertain significance (1 of 4 stars; one submission).

Conditions:
TTN-related disorder. Also called: TTN-related disorders; TTN-related condition; TTN-related disease.

gnomAD v4.1: 24 of 1,613,514 alleles (0.0015%); highest among the groups gnomAD compares: Non-Finnish European, 0.002%; no homozygotes.

Submission:

PreventionGenetics, part of Exact Sciences
Classification: Uncertain significance for TTN-related condition. Last evaluated: 2026-05-14. Review status: criteria provided, single submitter. Criteria: ACMG Guidelines, 2015. Collection method: clinical testing. Allele origin: germline.
Comment: The TTN c.71555C>G variant is predicted to result in the amino acid substitution p.Ser23852Cys. To our knowledge, this variant has not been reported in the literature. This variant is reported in 0.00089% of alleles in individuals of European (Non-Finnish) descent in gnomAD. At this time, the clinical significance of this variant is uncertain due to the absence of conclusive functional and genetic evidence.

NM_001267550.2(TTN):c.71555C>G (p.Ser23852Cys)

Genes: TTN (titin; minus strand), TTN-AS1 (TTN antisense RNA 1; plus strand). Cytogenetic location: 2q31.2.
Variant type: single nucleotide variant.
Coding change: c.71555C>G on transcript NM_001267550.2 (MANE Select); coding-DNA position 71555, C replaced by G.
Protein change: p.Ser23852Cys; replaces serine 23852 with cysteine.
Molecular consequence: missense variant.
Genome position (GRCh38, 1-based): chr2:178,574,577, G>C on the plus strand (C>G on the coding strand, the complement: TTN is on the minus strand). VCF-style: chr2-178574577-G-C. GRCh37 (hg19) VCF-style: chr2-179439304-G-C.
Other names: c.66632C>G, p.Ser22211Cys (NM_001256850.1); c.44360C>G, p.Ser14787Cys (NM_003319.4); c.63851C>G, p.Ser21284Cys (NM_133378.4); c.44735C>G, p.Ser14912Cys (NM_133432.3); c.44936C>G, p.Ser14979Cys (NM_133437.4); short protein forms S22211C, S21284C, S23852C, S14979C, S14787C, S14912C.
Identifiers: ClinVar variation 4984847 (VCV004984847.1).
Genomic context (GRCh38, chr2:178,574,577, plus strand): 5'-AGAATACCATTTCGTTCTTTTCTTTCAACATGATATCCTAAAATGGGGCTTCCACCATCA[G>C]AAAGTGGCTCATGCCAGCTAATTGTCATTGAATCCTTGGTAACTGCAGTTACCTGAGGGG-3'
Protein context (NP_001254479.2, residues 23842-23862): SMTISWHEPL[Ser23852Cys]DGGSPILGYH